The following is an entry in ClinVar:

NC_000023.10:g.(?_32536105)_(33038337_?)del

Gene: DMD (dystrophin; minus strand). Cytogenetic location: Xp21.1.
Variant type: Deletion.
Identifiers: ClinVar variation 1460052 (VCV001460052.7).

ClinVar aggregate classification (germline): Pathogenic (1 of 4 stars; one submission).

Conditions:
Duchenne muscular dystrophy (DMD). Also called: Duchenne Muscular Dystrophy (DMD); MUSCULAR DYSTROPHY, PSEUDOHYPERTROPHIC PROGRESSIVE, DUCHENNE TYPE. Identifiers: Orphanet 98896, MedGen C0013264, MONDO:0010679, OMIM 310200.

Submission:

Labcorp Genetics (formerly Invitae), Labcorp
Classification: Pathogenic for Duchenne muscular dystrophy. Last evaluated: 2021-04-29. Review status: criteria provided, single submitter. Criteria: Invitae Variant Classification Sherloc (09022015). Collection method: clinical testing. Allele origin: germline.
Comment: For these reasons, this variant has been classified as Pathogenic. A similar copy number variant has been observed in female(s) with a family history of dystrophinopathy (PMID: 18393226). This variant is a gross deletion of the genomic region encompassing exon(s) 2-18 of the DMD gene. This deletion is out-of-frame, and is expected to create a premature translational stop signal and result in an absent or disrupted protein product. Loss-of-function variants in DMD are known to be pathogenic (PMID: 16770791, 25007885).

Literature cited by the submitters: PubMed 18393226; PubMed 16770791; PubMed 25007885.